The following is an entry in ClinVar:

ClinVar aggregate classification (germline): Conflicting classifications of pathogenicity. Review status: criteria provided, conflicting classifications (1 of 4 stars). 2 submissions from 2 submitters: Uncertain significance (1); Likely benign (1). Last evaluated 2025-11-19.

Conditions:
KBG syndrome (KBGS). Also called: ANKRD11-Related KBG Syndrome. Identifiers: Orphanet 2332, MedGen C0220687, MONDO:0007846, OMIM 148050.

gnomAD v4.1: 5 of 1,611,132 alleles (0.00031%); highest among the groups gnomAD compares: Admixed American, 0.0067%; no homozygotes.

Submissions (2):

Labcorp Genetics (formerly Invitae), Labcorp
Classification: Uncertain significance for KBG syndrome. Last evaluated: 2025-11-19. Review status: criteria provided, single submitter. Criteria: Invitae Variant Classification Sherloc (09022015). Collection method: clinical testing. Allele origin: germline.
Comment: This sequence change replaces arginine, which is basic and polar, with lysine, which is basic and polar, at codon 809 of the ANKRD11 protein (p.Arg809Lys). This variant is present in population databases (rs79174195, gnomAD 0.006%). This variant has not been reported in the literature in individuals affected with ANKRD11-related conditions. ClinVar contains an entry for this variant (Variation ID: 3667246). Invitae Evidence Modeling of protein sequence and biophysical properties (such as structural, functional, and spatial information, amino acid conservation, physicochemical variation, residue mobility, and thermodynamic stability) indicates that this missense variant is not expected to disrupt ANKRD11 protein function with a negative predictive value of 95%. In summary, the available evidence is currently insufficient to determine the role of this variant in disease. Therefore, it has been classified as a Variant of Uncertain Significance.

Blueprint Genetics
Classification: Likely benign. Last evaluated: 2023-03-30. Review status: criteria provided, single submitter. Criteria: ACMG Guidelines, 2015. Collection method: clinical testing. Allele origin: germline.

NM_013275.6(ANKRD11):c.2426G>A (p.Arg809Lys)

Gene: ANKRD11 (ankyrin repeat domain 11; minus strand). Cytogenetic location: 16q24.3.
Variant type: single nucleotide variant.
Coding change: c.2426G>A on transcript NM_013275.6 (MANE Select); coding-DNA position 2426, G replaced by A.
Protein change: p.Arg809Lys; replaces arginine 809 with lysine.
Molecular consequence: missense variant.
Genome position (GRCh38, 1-based): chr16:89,284,116, C>T on the plus strand (G>A on the coding strand, the complement: ANKRD11 is on the minus strand). VCF-style: chr16-89284116-C-T. GRCh37 (hg19) VCF-style: chr16-89350524-C-T.
Other names: c.2426G>A, p.Arg809Lys (NM_001256182.2, NM_001256183.2); short protein forms R809K.
Identifiers: ClinVar variation 3667246 (VCV003667246.3).